The following is an entry in ClinVar:

ClinVar aggregate classification (germline): Likely pathogenic (1 of 4 stars; one submission).

Conditions:
Rett syndrome (RTT). Also called: AUTISM, DEMENTIA, ATAXIA, AND LOSS OF PURPOSEFUL HAND USE; Rett's disorder. Identifiers: Orphanet 3095, Orphanet 778, MedGen C0035372, MONDO:0010726, OMIM 312750.

Submission:

Centre for Population Genomics, CPG
Classification: Likely pathogenic for Rett syndrome. Last evaluated: 2024-12-19. Review status: criteria provided, single submitter. Criteria: McKnight et al. (Hum Mutat. 2022). Collection method: curation. Allele origin: germline. Inheritance: X-linked inheritance.
Comment: Based on the classification scheme defined by the ClinGen Rett/Angelman-like Expert Panel for Rett/AS-like Disorders Specifications to the ACMG/AMP Variant Interpretation Guidelines VCEP 3.0, this variant is classified as likely pathogenic. At least the following criteria are met: Predicted to result in loss of function, and LOF is a known mechanism of disease (PVS1). This variant is absent from gnomAD (PM2_Supporting).

NM_001323289.2(CDKL5):c.2203_2233dup (p.Ser745Ter)

Gene: CDKL5 (cyclin dependent kinase like 5; plus strand). Cytogenetic location: Xp22.13.
Variant type: Duplication.
Coding change: c.2203_2233dup on transcript NM_001323289.2 (MANE Select); coding-DNA positions 2203 to 2233, 31 bases duplicated.
Protein change: p.Ser745Ter; replaces serine 745 with a stop codon.
Molecular consequence: nonsense.
Genome position (GRCh38, 1-based): chrX:18,613,202-18,613,232, 31 bases duplicated; duplicating any 31 consecutive bases within chrX:18,613,201-18,613,232 gives the same sequence; the c. name uses the placement nearest the transcript's 3' end. GRCh37 (hg19): chrX:18,631,322-18,631,352.
Other names: NM_003159.3:c.2203_2233dup; c.2203_2233dup, p.Ser745Ter (NM_001037343.2, NM_003159.3); short protein forms S745*.
Identifiers: ClinVar variation 3602035 (VCV003602035.1).